The following is an entry in ClinVar:

NM_000059.4(BRCA2):c.5818G>A (p.Glu1940Lys)

Gene: BRCA2 (BRCA2 DNA repair associated; plus strand). Cytogenetic location: 13q13.1.
Variant type: single nucleotide variant.
Coding change: c.5818G>A on transcript NM_000059.4 (MANE Select); coding-DNA position 5818, G replaced by A.
Protein change: p.Glu1940Lys; replaces glutamic acid 1940 with lysine.
Molecular consequence: missense variant.
Genome position (GRCh38, 1-based): chr13:32,340,173, G>A. VCF-style: chr13-32340173-G-A. GRCh37 (hg19) VCF-style: chr13-32914310-G-A.
Other names: c.5818G>A, p.Glu1940Lys (NM_001406719.1, NM_001406720.1); short protein forms E1940K.
Identifiers: ClinVar variation 2011714 (VCV002011714.6), dbSNP rs1566233278, ClinGen allele CA387787273.

ClinVar aggregate classification (germline): Conflicting classifications of pathogenicity. Review status: criteria provided, conflicting classifications (1 of 4 stars). 2 submissions from 2 submitters: Uncertain significance (1); Likely benign (1). Last evaluated 2023-03-23.

Conditions:
Hereditary breast ovarian cancer syndrome. Also called: Hereditary breast and ovarian cancer syndrome (HBOC); Hereditary breast and ovarian cancer syndrome; Hereditary breast and ovarian cancer; Breast and ovarian cancer; BRCA1- and BRCA2-Associated Hereditary Breast and Ovarian Cancer; Hereditary breast and/or ovarian cancer syndrome. Identifiers: Orphanet 145, MedGen C0677776, MeSH D061325, MONDO:0003582. Disease mechanism: loss of function.
Hereditary cancer-predisposing syndrome. Also called: Tumor predisposition; Neoplastic Syndromes, Hereditary; Hereditary Cancer Syndrome; Hereditary neoplastic syndrome. Identifiers: Orphanet 140162, MedGen C0027672, MeSH D009386, MONDO:0015356.

Submissions (2):

University of Washington Department of Laboratory Medicine, University of Washington
Classification: Likely benign for Hereditary cancer-predisposing syndrome. Last evaluated: 2023-03-23. Review status: criteria provided, single submitter. Criteria: Dines et al. (Genet Med. 2020). Collection method: curation. Allele origin: germline.
Comment: Missense variant in a coldspot region where missense variants are very unlikely to be pathogenic (PMID:31911673).

BRCA2 exon 11 coldspot. Reclassification based on statistical prior probability.

Labcorp Genetics (formerly Invitae), Labcorp
Classification: Uncertain significance for Hereditary breast ovarian cancer syndrome. Last evaluated: 2022-06-28. Review status: criteria provided, single submitter. Criteria: Invitae Variant Classification Sherloc (09022015). Collection method: clinical testing. Allele origin: germline.
Comment: This sequence change replaces glutamic acid, which is acidic and polar, with lysine, which is basic and polar, at codon 1940 of the BRCA2 protein (p.Glu1940Lys). This variant is not present in population databases (gnomAD no frequency). This variant has not been reported in the literature in individuals affected with BRCA2-related conditions. Advanced modeling of protein sequence and biophysical properties (such as structural, functional, and spatial information, amino acid conservation, physicochemical variation, residue mobility, and thermodynamic stability) performed at Invitae indicates that this missense variant is not expected to disrupt BRCA2 protein function. In summary, the available evidence is currently insufficient to determine the role of this variant in disease. Therefore, it has been classified as a Variant of Uncertain Significance.